The following is an entry in ClinVar:

ClinVar aggregate classification (germline): Likely pathogenic. Review status: criteria provided, single submitter (1 of 4 stars). 2 submissions from 2 submitters: Likely pathogenic (1). 1 of the submissions does not count toward it. Last evaluated 2022-08-19.

Conditions:
3-methylcrotonyl-CoA carboxylase 1 deficiency (MCC1D). Also called: MCCD TYPE 1; METHYLCROTONYLGLYCINURIA TYPE I; MCC 1 deficiency; 3 Alpha methylcrotonylglycinuria 1. Identifiers: Orphanet 6, MedGen CN028786, MONDO:0008861, OMIM 210200.

Submissions (2):

Labcorp Genetics (formerly Invitae), Labcorp
Classification: Likely pathogenic for 3-methylcrotonyl-CoA carboxylase 1 deficiency. Last evaluated: 2022-08-19. Review status: criteria provided, single submitter. Criteria: Invitae Variant Classification Sherloc (09022015). Collection method: clinical testing. Allele origin: germline.
Comment: This missense change has been observed in individual(s) with 3-methylcrotonyl-CoA carboxylase (3MCC) deficiency (PMID: 11181649). ClinVar contains an entry for this variant (Variation ID: 1932). Advanced modeling of protein sequence and biophysical properties (such as structural, functional, and spatial information, amino acid conservation, physicochemical variation, residue mobility, and thermodynamic stability) performed at Invitae indicates that this missense variant is expected to disrupt MCCC1 protein function. Experimental studies are conflicting or provide insufficient evidence to determine the effect of this variant on MCCC1 function (PMID: 11181649, 15359379, 15868465). In summary, the currently available evidence indicates that the variant is pathogenic, but additional data are needed to prove that conclusively. Therefore, this variant has been classified as Likely Pathogenic. This variant is not present in population databases (gnomAD no frequency). This sequence change replaces leucine, which is neutral and non-polar, with proline, which is neutral and non-polar, at codon 437 of the MCCC1 protein (p.Leu437Pro).

OMIM
Classification: Pathogenic for 3-METHYLCROTONYL-CoA CARBOXYLASE 1 DEFICIENCY. Last evaluated: 2001-02-01. Review status: no assertion criteria provided. Collection method: literature only. Allele origin: germline. Not counted in ClinVar's aggregate classification.

Literature cited by the submitters: PubMed 11181649 (cited by Labcorp Genetics (formerly Invitae), Labcorp and OMIM); PubMed 15359379 (cited by Labcorp Genetics (formerly Invitae), Labcorp); PubMed 15868465 (cited by Labcorp Genetics (formerly Invitae), Labcorp).

NM_020166.5(MCCC1):c.1310T>C (p.Leu437Pro)

Gene: MCCC1 (methylcrotonyl-CoA carboxylase subunit 1; minus strand). Cytogenetic location: 3q27.1.
Variant type: single nucleotide variant.
Coding change: c.1310T>C on transcript NM_020166.5 (MANE Select); coding-DNA position 1310, T replaced by C.
Protein change: p.Leu437Pro; replaces leucine 437 with proline.
Molecular consequence: missense variant. On other transcripts: non-coding transcript variant (2).
Genome position (GRCh38, 1-based): chr3:183,039,093, A>G on the plus strand (T>C on the coding strand, the complement: MCCC1 is on the minus strand). VCF-style: chr3-183039093-A-G. GRCh37 (hg19) VCF-style: chr3-182756881-A-G.
Other names: c.959T>C, p.Leu320Pro (NM_001293273.2); c.983T>C, p.Leu328Pro (NM_001363880.1); short protein forms L437P, L328P, L320P.
Identifiers: ClinVar variation 1932 (VCV000001932.5), dbSNP rs119103215, ClinGen allele CA251977.
Genomic context (GRCh38, chr3:183,039,093, plus strand): 5'-TGACGAAGGCTGTACCTCAGTTTTGTCAATGCCGCCTGGCGATCTGCTGCCCACACGACC[A>G]GCTTCGCAATCATGGGGTCATAATGCACGGAAACTTCGTCTCCTGAAATTGAAAACCACG-3'
Protein context (NP_064551.3, residues 427-447): SVHYDPMIAK[Leu437Pro]VVWAADRQAA